The following is an entry in ClinVar:

NM_001374736.1(DST):c.14024G>T (p.Gly4675Val)

Gene: DST (dystonin; minus strand). Cytogenetic location: 6p12.1.
Variant type: single nucleotide variant.
Coding change: c.14024G>T on transcript NM_001374736.1 (MANE Select); coding-DNA position 14024, G replaced by T.
Protein change: p.Gly4675Val; replaces glycine 4675 with valine.
Molecular consequence: missense variant.
Genome position (GRCh38, 1-based): chr6:56,562,182, C>A on the plus strand (G>T on the coding strand, the complement: DST is on the minus strand). VCF-style: chr6-56562182-C-A. GRCh37 (hg19) VCF-style: chr6-56426980-C-A.
Other names: c.7667G>T, p.Gly2556Val (NM_001144769.5); c.7253G>T, p.Gly2418Val (NM_001144770.2); c.14024G>T, p.Gly4675Val (NM_001374722.1); c.13391G>T, p.Gly4464Val (NM_001374729.1); c.7133G>T, p.Gly2378Val (NM_001374730.1, NM_001386100.1, NM_183380.4); c.14051G>T, p.Gly4684Val (NM_001374734.1); c.6155G>T, p.Gly2052Val (NM_015548.5); short protein forms G2052V, G2418V, G2378V, G4684V, G2556V, G4464V, G4675V.
Identifiers: ClinVar variation 1431203 (VCV001431203.10), dbSNP rs748551099, ClinGen allele CA3868116.
Genomic context (GRCh38, chr6:56,562,182, plus strand): 5'-TAAAATTAATACTCACCTTTATTTGCCCAAAATTCCTCAGTATTTGTGGCTGTTCCTTCA[C>A]CATTTAATACTGCTCCACCTGCAAAAATAGTAACACTAAAATAATCACAGTTTCATAGTA-3'
Protein context (NP_001361665.1, residues 4665-4685): AVKSGGAVLN[Gly4675Val]EGTATNTEEF

ClinVar aggregate classification (germline): Uncertain significance. Review status: criteria provided, multiple submitters, no conflicts (2 of 4 stars). 2 submissions from 2 submitters: Uncertain significance (2). Last evaluated 2026-03-18.

Conditions:
Hereditary sensory and autonomic neuropathy type 6. Also called: HSAN VI; Neuropathy, hereditary sensory and autonomic, type VI. Identifiers: Orphanet 314381, MedGen C3539003, MONDO:0013839, OMIM 614653.
Epidermolysis bullosa simplex 3, localized or generalized intermediate, with BP230 deficiency (EBS3). Also called: Epidermolysis bullosa simplex, autosomal recessive 2; Epidermolysis bullosa simplex due to BP230 deficiency. Identifiers: Orphanet 412181, MedGen C3809470, MONDO:0014180, OMIM 615425.

gnomAD v4.1: 17 of 1,551,628 alleles (0.0011%); highest among the groups gnomAD compares: Non-Finnish European, 0.0014%; no homozygotes.

Submissions (2):

GeneDx
Classification: Uncertain significance. Last evaluated: 2026-03-18. Review status: criteria provided, single submitter. Criteria: GeneDx Variant Classification Process June 2021. Collection method: clinical testing. Allele origin: germline. Affected: yes.
Comment: Not observed at significant frequency in large population cohorts (gnomAD); In silico analysis supports a deleterious effect on protein structure/function; Has not been previously published as pathogenic or benign to our knowledge; Reported using an alternate transcript (non-epithelial isoform) of the gene.

Labcorp Genetics (formerly Invitae), Labcorp
Classification: Uncertain significance for Epidermolysis bullosa simplex 3, localized or generalized intermediate, with BP230 deficiency; Hereditary sensory and autonomic neuropathy type 6. Last evaluated: 2020-11-16. Review status: criteria provided, single submitter. Criteria: Invitae Variant Classification Sherloc (09022015). Collection method: clinical testing. Allele origin: germline.
Comment: This sequence change replaces glycine with valine at codon 2052 of the DST protein (p.Gly2052Val). The DST gene has multiple clinically relevant transcripts. This variant occurs in alternate transcript NM_015548.4, and corresponds to NM_001723.5:c.*53335G>T in the primary transcript. The frequency data for this variant in the population databases is considered unreliable, as metrics indicate poor data quality at this position in the ExAC database. This variant has not been reported in the literature in individuals with DST-related conditions. Experimental studies and prediction algorithms are not available or were not evaluated, and the functional significance of this variant is currently unknown. In summary, the available evidence is currently insufficient to determine the role of this variant in disease. Therefore, it has been classified as a Variant of Uncertain Significance.